The following is an entry in ClinVar:

NM_133443.4(GPT2):c.1369-3T>C

Gene: GPT2 (glutamic--pyruvic transaminase 2; plus strand). Cytogenetic location: 16q11.2.
Variant type: single nucleotide variant.
Coding change: c.1369-3T>C on transcript NM_133443.4 (MANE Select); 3 bases into the intron before coding-DNA position 1369, T replaced by C.
Molecular consequence: intron variant.
Genome position (GRCh38, 1-based): chr16:46,926,922, T>C. VCF-style: chr16-46926922-T-C. GRCh37 (hg19) VCF-style: chr16-46960834-T-C.
Other names: c.1069-3T>C (NM_001142466.3).
Identifiers: ClinVar variation 2221847 (VCV002221847.2), dbSNP rs373810533, ClinGen allele CA8038914.

ClinVar aggregate classification (germline): Uncertain significance (1 of 4 stars; one submission).

Conditions:
Inborn genetic diseases. Identifiers: MedGen C0950123, MeSH D030342.

Allele frequency attached by ClinVar (database versions not stated): gnomAD 0.00003; TOPMed 0.00003; gnomAD exomes 0.00005; ExAC 0.00006; ESP Exome Variant Server 0.00015.
gnomAD v4.1: 70 of 1,564,832 alleles (0.0045%); highest among the groups gnomAD compares: East Asian, 0.014%; no homozygotes.

Submission:

Ambry Genetics
Classification: Uncertain significance for Inborn genetic diseases. Last evaluated: 2022-04-22. Review status: criteria provided, single submitter. Criteria: Ambry Variant Classification Scheme 2023. Collection method: clinical testing. Allele origin: germline.
Comment: The c.1369-3T>C intronic alteration consists of a T to C substitution 3 nucleotides before exon 11 (coding exon 10) of the GPT2 gene. Based on insufficient or conflicting evidence, the clinical significance of this alteration remains unclear.